The following is an entry in ClinVar:

NM_001009999.3(KDM1A):c.1605G>C (p.Leu535Phe)

Gene: KDM1A (lysine demethylase 1A; plus strand). Cytogenetic location: 1p36.12.
Variant type: single nucleotide variant.
Coding change: c.1605G>C on transcript NM_001009999.3 (MANE Select); coding-DNA position 1605, G replaced by C.
Protein change: p.Leu535Phe; replaces leucine 535 with phenylalanine.
Molecular consequence: missense variant.
Genome position (GRCh38, 1-based): chr1:23,072,180, G>C. VCF-style: chr1-23072180-G-C. GRCh37 (hg19) VCF-style: chr1-23398673-G-C.
Other names: c.1533G>C, p.Leu511Phe (NM_001363654.2, NM_015013.4); c.1605G>C (NM_001009999.2); short protein forms L511F, L535F.
Identifiers: ClinVar variation 1678514 (VCV001678514.2), dbSNP rs1643339796, ClinGen allele CA338968511.

ClinVar aggregate classification (germline): Uncertain significance. Review status: criteria provided, multiple submitters, no conflicts (2 of 4 stars). 2 submissions from 2 submitters: Uncertain significance (2). Last evaluated 2025-01-21.

Conditions:
Inborn genetic diseases. Identifiers: MedGen C0950123, MeSH D030342.

gnomAD v4.1: 2 of 1,610,546 alleles (0.00012%); highest among the groups gnomAD compares: Admixed American, 0.0033%; no homozygotes.

Submissions (2):

Ambry Genetics
Classification: Uncertain significance for Inborn genetic diseases. Last evaluated: 2025-01-21. Review status: criteria provided, single submitter. Criteria: Ambry Variant Classification Scheme 2023. Collection method: clinical testing. Allele origin: germline.
Comment: The p.L535F variant (also known as c.1605G>C), located in coding exon 14 of the KDM1A gene, results from a G to C substitution at nucleotide position 1605. The leucine at codon 535 is replaced by phenylalanine, an amino acid with highly similar properties. This amino acid position is conserved. In addition, this alteration is predicted to be tolerated by in silico analysis. Based on the available evidence, the clinical significance of this variant remains unclear.

AiLife Diagnostics
Classification: Uncertain significance. Last evaluated: 2021-07-02. Review status: criteria provided, single submitter. Criteria: ACMG Guidelines, 2015. Collection method: clinical testing. Allele origin: germline. Affected: yes. Observed: 1 variant allele.